The following is an entry in ClinVar:

NM_001042492.3(NF1):c.4343del (p.Ser1448fs)

Gene: NF1 (neurofibromin 1; plus strand). Cytogenetic location: 17q11.2.
Variant type: Deletion.
Coding change: c.4343del on transcript NM_001042492.3 (MANE Select); coding-DNA position 4343, one base deleted (G; older notation c.4343delG).
Protein change: p.Ser1448fs; shifts the reading frame from serine 1448.
Molecular consequence: frameshift variant.
Genome position (GRCh38, 1-based): chr17:31,259,042, G deleted. VCF-style (leftmost placement, unchanged base first): chr17-31259041-AG-A. GRCh37 (hg19) VCF-style: chr17-29586059-AG-A.
Other names: c.4280delG, p.Ser1427Ilefs (NM_000267.4); short protein forms S1448fs, S1427fs.
Identifiers: ClinVar variation 2122369 (VCV002122369.4), dbSNP rs2508413521, ClinGen allele CA2580093000.

ClinVar aggregate classification (germline): Pathogenic (1 of 4 stars; one submission).

Conditions:
Neurofibromatosis, type 1 (NF1). Also called: NEUROFIBROMATOSIS, TYPE I, SOMATIC; Neurofibromatosis, type I; Peripheral type neurofibromatosis; VON RECKLINGHAUSEN DISEASE. Identifiers: Orphanet 636, MedGen C0027831, MONDO:0018975, OMIM 162200. Disease mechanism: loss of function.

Submission:

Labcorp Genetics (formerly Invitae), Labcorp
Classification: Pathogenic for Neurofibromatosis, type 1. Last evaluated: 2022-04-07. Review status: criteria provided, single submitter. Criteria: Invitae Variant Classification Sherloc (09022015). Collection method: clinical testing. Allele origin: germline.
Comment: This variant is not present in population databases (gnomAD no frequency). For these reasons, this variant has been classified as Pathogenic. This variant has not been reported in the literature in individuals affected with NF1-related conditions. This sequence change creates a premature translational stop signal (p.Ser1427Ilefs*21) in the NF1 gene. It is expected to result in an absent or disrupted protein product. Loss-of-function variants in NF1 are known to be pathogenic (PMID: 10712197, 23913538).

Literature cited by the submitters: PubMed 10712197; PubMed 23913538.